The following is an entry in ClinVar:

NM_001374259.2(IL12RB2):c.1572C>A (p.Gly524=)

Gene: IL12RB2 (interleukin 12 receptor subunit beta 2; plus strand). Cytogenetic location: 1p31.3.
Variant type: single nucleotide variant.
Coding change: c.1572C>A on transcript NM_001374259.2 (MANE Select); coding-DNA position 1572, C replaced by A.
Protein change: p.Gly524=; no amino-acid change (glycine 524 retained).
Molecular consequence: synonymous variant. On other transcripts: non-coding transcript variant (1), intron variant (1).
Genome position (GRCh38, 1-based): chr1:67,372,638, C>A. VCF-style: chr1-67372638-C-A. GRCh37 (hg19) VCF-style: chr1-67838321-C-A.
Other names: c.1572C>A, p.Gly524= (NM_001258214.1, NM_001258216.1, NM_001319233.1 and 1 more transcripts); c.1459+4613C>A (NM_001258215.1).
Identifiers: ClinVar variation 719338 (VCV000719338.14), dbSNP rs17129906, ClinGen allele CA900535.

ClinVar aggregate classification (germline): Benign. Review status: criteria provided, multiple submitters, no conflicts (2 of 4 stars). 3 submissions from 3 submitters: Benign (2). 1 of the submissions does not count toward it. Last evaluated 2026-01-25.

Conditions:
IL12RB2-related disorder. Also called: IL12RB2-related condition.

Allele frequency attached by ClinVar (database versions not stated): gnomAD exomes 0.00068 and 0.00158; ExAC 0.00200; gnomAD 0.00608 and 0.00656; TOPMed 0.00677; ESP Exome Variant Server 0.00730; 1000 Genomes Project 0.00779; 1000 Genomes Project 30x 0.00921.
gnomAD v4.1: 1,962 of 1,613,262 alleles (0.12%); highest among the groups gnomAD compares: African/African-American, 2.2%; 24 homozygotes.

Submissions (3):

Labcorp Genetics (formerly Invitae), Labcorp
Classification: Benign. Last evaluated: 2026-01-25. Review status: criteria provided, single submitter. Criteria: Invitae Variant Classification Sherloc (09022015). Collection method: clinical testing. Allele origin: germline.

Breakthrough Genomics
Classification: Benign. Review status: criteria provided, single submitter. Criteria: ACMG Guidelines, 2015. Collection method: not provided. Allele origin: germline. Inheritance: Unknown mechanism. Affected: yes.

PreventionGenetics, part of Exact Sciences
Classification: Benign for IL12RB2-related condition. Last evaluated: 2019-05-02. Review status: no assertion criteria provided. Collection method: clinical testing. Allele origin: germline. Not counted in ClinVar's aggregate classification.
Comment: This variant is classified as benign based on ACMG/AMP sequence variant interpretation guidelines (Richards et al. 2015 PMID: 25741868, with internal and published modifications).